The following is an entry in ClinVar:

NM_001370259.2(MEN1):c.307C>T (p.Leu103=)

Gene: MEN1 (menin 1; minus strand). Cytogenetic location: 11q13.1.
Variant type: single nucleotide variant.
Coding change: c.307C>T on transcript NM_001370259.2 (MANE Select); coding-DNA position 307, C replaced by T.
Protein change: p.Leu103=; no amino-acid change (leucine 103 retained).
Molecular consequence: synonymous variant.
Genome position (GRCh38, 1-based): chr11:64,809,803, G>A on the plus strand (C>T on the coding strand, the complement: MEN1 is on the minus strand). VCF-style: chr11-64809803-G-A. GRCh37 (hg19) VCF-style: chr11-64577275-G-A.
Other names: c.307C>T, p.Leu103= (NM_130802.3, NM_130803.3, NM_130804.3 and 9 more transcripts).
Identifiers: ClinVar variation 527291 (VCV000527291.15), dbSNP rs1313314117, ClinGen allele CA475163532.

ClinVar aggregate classification (germline): Likely benign. Review status: criteria provided, multiple submitters, no conflicts (2 of 4 stars). 3 submissions from 3 submitters: Likely benign (3). Last evaluated 2025-03-11.

Conditions:
Multiple endocrine neoplasia, type 1 (MEN1). Also called: MEN I; WERMER SYNDROME; Endocrine adenomatosis multiple; MEN 1; MEA I. Identifiers: Orphanet 652, MedGen C0025267, MeSH D018761, MONDO:0007540, OMIM 131100.
Hereditary cancer-predisposing syndrome. Also called: Neoplastic Syndromes, Hereditary; Tumor predisposition; Hereditary neoplastic syndrome; Hereditary Cancer Syndrome. Identifiers: Orphanet 140162, MedGen C0027672, MeSH D009386, MONDO:0015356.

Allele frequency attached by ClinVar (database versions not stated): gnomAD exomes below 0.00001.

Submissions (3):

Labcorp Genetics (formerly Invitae), Labcorp
Classification: Likely benign for Multiple endocrine neoplasia, type 1. Last evaluated: 2025-03-11. Review status: criteria provided, single submitter. Criteria: Invitae Variant Classification Sherloc (09022015). Collection method: clinical testing. Allele origin: germline.

All of Us Research Program, National Institutes of Health
Classification: Likely benign for Multiple endocrine neoplasia, type 1. Last evaluated: 2023-06-26. Review status: criteria provided, single submitter. Criteria: ACMG Guidelines, 2015. Collection method: clinical testing. Allele origin: germline. Inheritance: Autosomal dominant inheritance. Observed: 1 variant allele, 1 heterozygote.
Comment: This study involves interpretation of variants in research participants for the purpose of population health screening. Participant phenotype was not available at the time of variant classification. Additional details can be found in publication PMID: 35346344, PMCID: PMC8962531

Ambry Genetics
Classification: Likely benign for Hereditary cancer-predisposing syndrome. Last evaluated: 2020-12-25. Review status: criteria provided, single submitter. Criteria: Ambry Variant Classification Scheme 2023. Collection method: clinical testing. Allele origin: germline.